The following is an entry in ClinVar:

NM_004415.4(DSP):c.2171A>C (p.Asn724Thr)

Gene: DSP (desmoplakin; plus strand). Cytogenetic location: 6p24.3.
Variant type: single nucleotide variant.
Coding change: c.2171A>C on transcript NM_004415.4 (MANE Select); coding-DNA position 2171, A replaced by C.
Protein change: p.Asn724Thr; replaces asparagine 724 with threonine.
Molecular consequence: missense variant.
Genome position (GRCh38, 1-based): chr6:7,574,126, A>C. VCF-style: chr6-7574126-A-C. GRCh37 (hg19) VCF-style: chr6-7574359-A-C.
Other names: c.2171A>C, p.Asn724Thr (NM_001008844.3, NM_001319034.2); short protein forms N724T.
Identifiers: ClinVar variation 1787101 (VCV001787101.2), dbSNP rs757299922, ClinGen allele CA032081.
Genomic context (GRCh38, chr6:7,574,126, plus strand): 5'-CTTTCCTTCATTTTTGACAGAGTGTGCAGAATGATTCACAAGCAATTGCTGAGGTTCTCA[A>C]CCAGCTTAAAGATATGCTTGCCAACTTCAGAGGTTCTGAAAAGTACTGCTATTTACAGAA-3'
Protein context (NP_004406.2, residues 714-734): NDSQAIAEVL[Asn724Thr]QLKDMLANFR

ClinVar aggregate classification (germline): Uncertain significance (1 of 4 stars; one submission).

Conditions:
Cardiovascular phenotype. Identifiers: MedGen CN230736.

Allele frequency attached by ClinVar (database versions not stated): ExAC 0.00001; gnomAD 0.00001.
gnomAD v4.1: 3 of 1,614,000 alleles (0.00019%); highest among the groups gnomAD compares: African/African-American, 0.004%; no homozygotes.

Submission:

Ambry Genetics
Classification: Uncertain significance for Cardiovascular phenotype. Last evaluated: 2021-04-28. Review status: criteria provided, single submitter. Criteria: Ambry Variant Classification Scheme 2023. Collection method: clinical testing. Allele origin: germline.
Comment: The p.N724T variant (also known as c.2171A>C), located in coding exon 16 of the DSP gene, results from an A to C substitution at nucleotide position 2171. The asparagine at codon 724 is replaced by threonine, an amino acid with similar properties. This amino acid position is highly conserved in available vertebrate species. In addition, this alteration is predicted to be tolerated by in silico analysis. Since supporting evidence is limited at this time, the clinical significance of this alteration remains unclear.